The following is an entry in ClinVar:

NM_133259.4(LRPPRC):c.1115_1118delinsCTT (p.Phe372fs)

Gene: LRPPRC (leucine rich pentatricopeptide repeat containing; minus strand). Cytogenetic location: 2p21.
Variant type: Indel.
Coding change: c.1115_1118delinsCTT on transcript NM_133259.4 (MANE Select); coding-DNA positions 1115 to 1118, TTGG replaced by CTT.
Protein change: p.Phe372fs; shifts the reading frame from phenylalanine 372.
Molecular consequence: frameshift variant.
Genome position (GRCh38, 1-based): chr2:43,974,187-43,974,190, CCAA replaced by AAG on the plus strand (TTGG replaced by CTT on the coding strand, the reverse complement: LRPPRC is on the minus strand). VCF-style: chr2-43974187-CCAA-AAG. GRCh37 (hg19) VCF-style: chr2-44201326-CCAA-AAG.
Other names: short protein forms F372fs.
Identifiers: ClinVar variation 1724514 (VCV001724514.2), dbSNP rs2466662740, ClinGen allele CA2580066902.

ClinVar aggregate classification (germline): Likely pathogenic (1 of 4 stars; one submission).

Conditions:
Congenital lactic acidosis, Saguenay-Lac-Saint-Jean type (MC4DN5). Also called: MITOCHONDRIAL COMPLEX IV DEFICIENCY, NUCLEAR TYPE 5; CYTOCHROME c OXIDASE DEFICIENCY, FRENCH CANADIAN TYPE; COX DEFICIENCY, FRENCH CANADIAN TYPE. Identifiers: Orphanet 70472, MedGen C1857355, MONDO:0009069, OMIM 220111.

Submission:

Myriad Genetics, Inc.
Classification: Likely pathogenic for Congenital lactic acidosis, Saguenay-Lac-Saint-Jean type. Last evaluated: 2022-02-17. Review status: criteria provided, single submitter. Criteria: Myriad Women's Health Autosomal Recessive and X-Linked Classification Criteria (2021). Collection method: clinical testing. Allele origin: unknown.
Comment: NM_133259.3(LRPPRC):c.1115_1118delTTGGinsCTT(F372Sfs*10) is expected to be pathogenic in the context of Leigh syndrome, French-Canadian type. This variant is predicted to lead to an abnormal or absent protein product due to the creation of a premature termination codon in LRPPRC, a gene where loss-of-function variants are known to be pathogenic. Please note: this variant was assessed in the context of healthy population screening.